The following is an entry in ClinVar:

ClinVar aggregate classification (germline): Uncertain significance (1 of 4 stars; one submission).

Submission:

Mayo Clinic Laboratories, Mayo Clinic
Classification: Uncertain significance. Last evaluated: 2023-11-07. Review status: criteria provided, single submitter. Criteria: ACMG Guidelines, 2015. Collection method: clinical testing. Allele origin: germline. Observed: 1 variant allele.
Comment: BP4

NM_024496.4(IRF2BPL):c.754G>C (p.Val252Leu)

Gene: IRF2BPL (interferon regulatory factor 2 binding protein like; minus strand). Cytogenetic location: 14q24.3.
Variant type: single nucleotide variant.
Coding change: c.754G>C on transcript NM_024496.4 (MANE Select); coding-DNA position 754, G replaced by C.
Protein change: p.Val252Leu; replaces valine 252 with leucine.
Molecular consequence: missense variant.
Genome position (GRCh38, 1-based): chr14:77,027,039, C>G on the plus strand (G>C on the coding strand, the complement: IRF2BPL is on the minus strand). VCF-style: chr14-77027039-C-G. GRCh37 (hg19) VCF-style: chr14-77493382-C-G.
Other names: p.Val252Leu; short protein forms V252L.
Identifiers: ClinVar variation 3380221 (VCV003380221.1).